The following is an entry in ClinVar:

NM_000260.4(MYO7A):c.4219G>T (p.Glu1407Ter)

Gene: MYO7A (myosin VIIA; plus strand). Cytogenetic location: 11q13.5.
Variant type: single nucleotide variant.
Coding change: c.4219G>T on transcript NM_000260.4 (MANE Select); coding-DNA position 4219, G replaced by T.
Protein change: p.Glu1407Ter; replaces glutamic acid 1407 with a stop codon.
Molecular consequence: nonsense.
Genome position (GRCh38, 1-based): chr11:77,194,420, G>T. VCF-style: chr11-77194420-G-T. GRCh37 (hg19) VCF-style: chr11-76905465-G-T.
Other names: c.4219G>T, p.Glu1407Ter (NM_001127180.2); c.4186G>T, p.Glu1396Ter (NM_001369365.1); short protein forms E1396*, E1407*.
Identifiers: ClinVar variation 983733 (VCV000983733.3), dbSNP rs1956485578, ClinGen allele CA381949215.
Genomic context (GRCh38, chr11:77,194,420, plus strand): 5'-GACCTGGCTGAGCTGGCCTCCCAGCAGTACTTTGTAGACTATGGCTCTGAGATGATCCTG[G>T]AGCGCCTCCTGAACCTCGTGCCCACCTACATCCCCGACCGCGAGATCACGCCCCTGAAGA-3'

ClinVar aggregate classification (germline): Likely pathogenic (1 of 4 stars; one submission).

Conditions:
Usher syndrome type 1 (USH1). Also called: RETINITIS PIGMENTOSA AND CONGENITAL DEAFNESS. Identifiers: Orphanet 231169, Orphanet 886, MedGen C1568247, MONDO:0010168, OMIM 276900.

Submission:

Myriad Genetics, Inc.
Classification: Likely pathogenic for Usher syndrome type 1. Last evaluated: 2019-12-22. Review status: criteria provided, single submitter. Criteria: Myriad Women's Health Autosomal Recessive and X-Linked Classification Criteria (2019). Collection method: clinical testing. Allele origin: unknown.
Comment: NM_000260.3(MYO7A):c.4219G>T(E1407*) is expected to be pathogenic in the context of MYO7A-related disorders. This variant is predicted to lead to an abnormal or absent protein product due to the creation of a premature termination codon in MYO7A, a gene where loss-of-function variants are known to be pathogenic. Please note: this variant was assessed in the context of healthy population screening.